The following is an entry in ClinVar:

ClinVar aggregate classification (germline): Uncertain significance (1 of 4 stars; one submission).

Conditions:
Leber congenital amaurosis 4 (LCA4). Identifiers: MedGen C1858386, MONDO:0011458, OMIM 604393.

gnomAD v4.1: 2 of 1,599,912 alleles (0.00013%); highest among the groups gnomAD compares: Non-Finnish European, 0.000085%; no homozygotes.

Submission:

Labcorp Genetics (formerly Invitae), Labcorp
Classification: Uncertain significance for Leber congenital amaurosis 4. Last evaluated: 2021-04-23. Review status: criteria provided, single submitter. Criteria: Invitae Variant Classification Sherloc (09022015). Collection method: clinical testing. Allele origin: germline.
Comment: This variant has not been reported in the literature in individuals with AIPL1-related conditions. This variant is not present in population databases (ExAC no frequency). This sequence change replaces isoleucine with valine at codon 92 of the AIPL1 protein (p.Ile92Val). The isoleucine residue is moderately conserved and there is a small physicochemical difference between isoleucine and valine. Algorithms developed to predict the effect of missense changes on protein structure and function (SIFT, PolyPhen-2, Align-GVGD) all suggest that this variant is likely to be tolerated, but these predictions have not been confirmed by published functional studies and their clinical significance is uncertain. In summary, the available evidence is currently insufficient to determine the role of this variant in disease. Therefore, it has been classified as a Variant of Uncertain Significance.

NM_014336.5(AIPL1):c.274A>G (p.Ile92Val)

Gene: AIPL1 (AIP like 1 HSP90 co-chaperone; minus strand). Cytogenetic location: 17p13.2.
Variant type: single nucleotide variant.
Coding change: c.274A>G on transcript NM_014336.5 (MANE Select); coding-DNA position 274, A replaced by G.
Protein change: p.Ile92Val; replaces isoleucine 92 with valine.
Molecular consequence: missense variant. On other transcripts: intron variant (1).
Genome position (GRCh38, 1-based): chr17:6,433,921, T>C on the plus strand (A>G on the coding strand, the complement: AIPL1 is on the minus strand). VCF-style: chr17-6433921-T-C. GRCh37 (hg19) VCF-style: chr17-6337241-T-C.
Other names: c.274A>G, p.Ile92Val (NM_001033054.3, NM_001285401.3, NM_001285403.4); c.238A>G, p.Ile80Val (NM_001285399.3); c.208A>G, p.Ile70Val (NM_001285400.3); c.157A>G, p.Ile53Val (NM_001285402.2); c.96+1088A>G (NM_001033055.3); short protein forms I53V, I70V, I80V, I92V.
Identifiers: ClinVar variation 1348071 (VCV001348071.8), dbSNP rs2150691847, ClinGen allele CA397397026.